The following is an entry in ClinVar:

ClinVar aggregate classification (germline): Conflicting classifications of pathogenicity. Review status: criteria provided, conflicting classifications (1 of 4 stars). 2 submissions from 2 submitters: Pathogenic (1); Uncertain significance (1). Last evaluated 2025-03-07.

Conditions:
Neurodevelopmental disorder with dysmorphic facies and distal skeletal anomalies. Identifiers: MedGen C5231448, MONDO:0032855, OMIM 618659.
Neurodevelopmental abnormality. Identifiers: MedGen C4022737, HP:0012759.

Submissions (2):

3billion
Classification: Uncertain significance for Neurodevelopmental disorder with dysmorphic facies and distal skeletal anomalies. Last evaluated: 2025-03-07. Review status: criteria provided, single submitter. Criteria: ACMG Guidelines, 2015. Collection method: clinical testing. Allele origin: germline. Affected: yes.
Comment: The variant is not observed in the gnomAD v4.1.0 dataset. Predicted Consequence/Location: Frameshift: predicted to result in a loss or disruption of normal protein function through protein truncation. The predicted truncated protein may be shortened by less than 10%. The variant has been reported to be associated with ZMIZ1-related disorder (ClinVar ID: VCV003336982). Therefore, this variant is classified as VUS according to the recommendation of ACMG/AMP guideline.

Clinical Genetics Laboratory, Skane University Hospital Lund
Classification: Pathogenic for Neurodevelopmental abnormality. Last evaluated: 2019-02-27. Review status: criteria provided, single submitter. Criteria: ACMG Guidelines, 2015. Collection method: clinical testing. Allele origin: germline. Inheritance: Autosomal dominant inheritance. Affected: yes.
Comment: ACMG criteria used: PVS1, PS2, PM2

NM_020338.4(ZMIZ1):c.3113_3114del (p.Thr1038fs)

Gene: ZMIZ1 (zinc finger MIZ-type containing 1; plus strand). Cytogenetic location: 10q22.3.
Variant type: Microsatellite.
Coding change: c.3113_3114del on transcript NM_020338.4 (MANE Select); coding-DNA positions 3113 to 3114, 2 bases deleted (CA; older notation c.3113_3114delCA).
Protein change: p.Thr1038fs; shifts the reading frame from threonine 1038.
Molecular consequence: frameshift variant.
Genome position (GRCh38, 1-based): chr10:79,312,658-79,312,659, CA deleted; deleting any 2 consecutive bases within chr10:79,312,656-79,312,659 gives the same sequence; the c. name uses the placement nearest the transcript's 3' end. VCF-style (leftmost placement, unchanged base first): chr10-79312655-TCA-T. GRCh37 (hg19) VCF-style: chr10-81072412-TCA-T.
Other names: short protein forms T1038fs.
Identifiers: ClinVar variation 3336982 (VCV003336982.3).